The following is an entry in ClinVar:

NM_002544.5(OMG):c.99A>T (p.Thr33=)

Genes: NF1 (neurofibromin 1; plus strand), OMG (oligodendrocyte myelin glycoprotein; minus strand). Cytogenetic location: 17q11.2.
Variant type: single nucleotide variant.
Coding change: c.99A>T on transcript NM_002544.5 (MANE Select); coding-DNA position 99, A replaced by T.
Protein change: p.Thr33=; no amino-acid change (threonine 33 retained).
Molecular consequence: synonymous variant. On other transcripts: intron variant (2).
Genome position (GRCh38, 1-based): chr17:31,296,233, T>A on the plus strand (A>T on the coding strand, the complement: OMG is on the minus strand). VCF-style: chr17-31296233-T-A. GRCh37 (hg19) VCF-style: chr17-29623251-T-A.
Other names: c.4836-29587T>A (NM_001042492.3); c.4773-29587T>A (NM_000267.4).
Identifiers: ClinVar variation 4085775 (VCV004085775.8).
Genomic context (GRCh38, chr17:31,296,233, plus strand): 5'-CAGTCCAGATGGTAATGTAGACAAGTTTCTGCCTGAACAGTCCACATGCCTGTGCCTCTC[T>A]GTGCATATACATTGGAGAGGACAAATGCATAAAATACCAGGTGTGAGAAACAGAAGGATG-3'
Protein context (NP_002535.3, residues 23-43): LCICPLQCIC[Thr33=]ERHRHVDCSG

ClinVar aggregate classification (germline): Likely benign (1 of 4 stars; one submission).

Submission:

CeGaT Center for Human Genetics Tuebingen
Classification: Likely benign. Last evaluated: 2025-08-01. Review status: criteria provided, single submitter. Criteria: CeGaT Center For Human Genetics Tuebingen Variant Classification Criteria Version 2. Collection method: clinical testing. Allele origin: germline. Affected: yes. Observed: 1 variant allele.
Comment: OMG: PM2:Supporting, BP4, BP7